The following is an entry in ClinVar:

NM_000059.4(BRCA2):c.2053G>A (p.Asp685Asn)

Gene: BRCA2 (BRCA2 DNA repair associated; plus strand). Cytogenetic location: 13q13.1.
Variant type: single nucleotide variant.
Coding change: c.2053G>A on transcript NM_000059.4 (MANE Select); coding-DNA position 2053, G replaced by A.
Protein change: p.Asp685Asn; replaces aspartic acid 685 with asparagine.
Molecular consequence: missense variant.
Genome position (GRCh38, 1-based): chr13:32,336,408, G>A. VCF-style: chr13-32336408-G-A. GRCh37 (hg19) VCF-style: chr13-32910545-G-A.
Other names: short protein forms D685N.
Identifiers: ClinVar variation 1378860 (VCV001378860.7), dbSNP rs2137482881, ClinGen allele CA387768982.

ClinVar aggregate classification (germline): Conflicting classifications of pathogenicity. Review status: criteria provided, conflicting classifications (1 of 4 stars). 2 submissions from 2 submitters: Uncertain significance (1); Likely benign (1). Last evaluated 2023-03-23.

Conditions:
Hereditary cancer-predisposing syndrome. Also called: Neoplastic Syndromes, Hereditary; Hereditary Cancer Syndrome; Tumor predisposition; Hereditary neoplastic syndrome. Identifiers: Orphanet 140162, MedGen C0027672, MeSH D009386, MONDO:0015356.
Hereditary breast ovarian cancer syndrome. Also called: Hereditary breast and ovarian cancer; Hereditary breast and/or ovarian cancer syndrome; Hereditary breast and ovarian cancer syndrome; Hereditary breast and ovarian cancer syndrome (HBOC); Breast and ovarian cancer; BRCA1- and BRCA2-Associated Hereditary Breast and Ovarian Cancer. Identifiers: Orphanet 145, MedGen C0677776, MeSH D061325, MONDO:0003582. Disease mechanism: loss of function.

Submissions (2):

University of Washington Department of Laboratory Medicine, University of Washington
Classification: Likely benign for Hereditary cancer-predisposing syndrome. Last evaluated: 2023-03-23. Review status: criteria provided, single submitter. Criteria: Dines et al. (Genet Med. 2020). Collection method: curation. Allele origin: germline.
Comment: Missense variant in a coldspot region where missense variants are very unlikely to be pathogenic (PMID:31911673).

BRCA2 exon 11 coldspot. Reclassification based on statistical prior probability.

Labcorp Genetics (formerly Invitae), Labcorp
Classification: Uncertain significance for Hereditary breast ovarian cancer syndrome. Last evaluated: 2021-08-31. Review status: criteria provided, single submitter. Criteria: Invitae Variant Classification Sherloc (09022015). Collection method: clinical testing. Allele origin: germline.
Comment: This sequence change replaces aspartic acid with asparagine at codon 685 of the BRCA2 protein (p.Asp685Asn). The aspartic acid residue is moderately conserved and there is a small physicochemical difference between aspartic acid and asparagine. This variant is not present in population databases (ExAC no frequency). This variant has not been reported in the literature in individuals affected with BRCA2-related conditions. Advanced modeling of protein sequence and biophysical properties (such as structural, functional, and spatial information, amino acid conservation, physicochemical variation, residue mobility, and thermodynamic stability) performed at Invitae indicates that this missense variant is not expected to disrupt BRCA2 protein function. In summary, the available evidence is currently insufficient to determine the role of this variant in disease. Therefore, it has been classified as a Variant of Uncertain Significance.